The following is an entry in ClinVar:

ClinVar aggregate classification (germline): Uncertain significance. Review status: criteria provided, multiple submitters, no conflicts (2 of 4 stars). 2 submissions from 2 submitters: Uncertain significance (2). Last evaluated 2024-11-28.

Allele frequency attached by ClinVar (database versions not stated): gnomAD exomes below 0.00001; TOPMed below 0.00001.

Submissions (2):

Blueprint Genetics
Classification: Uncertain significance. Last evaluated: 2024-11-28. Review status: criteria provided, single submitter. Criteria: ACMG Guidelines, 2015. Collection method: clinical testing. Allele origin: germline.

Labcorp Genetics (formerly Invitae), Labcorp
Classification: Uncertain significance. Last evaluated: 2024-04-01. Review status: criteria provided, single submitter. Criteria: Invitae Variant Classification Sherloc (09022015). Collection method: clinical testing. Allele origin: germline.
Comment: This sequence change replaces methionine, which is neutral and non-polar, with valine, which is neutral and non-polar, at codon 1080 of the ADNP protein (p.Met1080Val). This variant is not present in population databases (gnomAD no frequency). This variant has not been reported in the literature in individuals affected with ADNP-related conditions. An algorithm developed to predict the effect of missense changes on protein structure and function (PolyPhen-2) suggests that this variant is likely to be tolerated. In summary, the available evidence is currently insufficient to determine the role of this variant in disease. Therefore, it has been classified as a Variant of Uncertain Significance.

NM_001282531.3(ADNP):c.3238A>G (p.Met1080Val)

Gene: ADNP (activity dependent neuroprotector homeobox; minus strand). Cytogenetic location: 20q13.13.
Variant type: single nucleotide variant.
Coding change: c.3238A>G on transcript NM_001282531.3 (MANE Select); coding-DNA position 3238, A replaced by G.
Protein change: p.Met1080Val; replaces methionine 1080 with valine.
Molecular consequence: missense variant.
Genome position (GRCh38, 1-based): chr20:50,891,476, T>C on the plus strand (A>G on the coding strand, the complement: ADNP is on the minus strand). VCF-style: chr20-50891476-T-C. GRCh37 (hg19) VCF-style: chr20-49508013-T-C.
Other names: c.3238A>G, p.Met1080Val (NM_001282532.2, NM_001347511.2, NM_015339.5 and 1 more transcripts); short protein forms M1080V.
Identifiers: ClinVar variation 2776494 (VCV002776494.4), dbSNP rs1980704330, ClinGen allele CA408966772.
Genomic context (GRCh38, chr20:50,891,476, plus strand): 5'-GGCTGCTCAGTTTAACTCCGGCTAAGCTGCCATGCATGGGCTCAGCTACTCCATCAGTCA[T>C]GTTGTCAAACTGTTCCCCATCCTCACTGTCAATTGTGCTATTCTGCCACTCAATCTGGGG-3'
Protein context (NP_001269460.1, residues 1070-1090): DSEDGEQFDN[Met1080Val]TDGVAEPMHG